The following is an entry in ClinVar:

ClinVar aggregate classification (germline): Uncertain significance (1 of 4 stars; one submission).

Conditions:
Amyotrophic lateral sclerosis type 21. Also called: VOCAL CORD AND PHARYNGEAL DYSFUNCTION WITH DISTAL MYOPATHY; MYOPATHY, DISTAL, 2. Identifiers: Orphanet 600, Orphanet 803, MedGen C3807521, MONDO:0011632, OMIM 606070.

gnomAD v4.1: 1 of 1,614,188 alleles (0.000062%); highest among the groups gnomAD compares: Admixed American, 0.0017%; no homozygotes.

Submission:

Labcorp Genetics (formerly Invitae), Labcorp
Classification: Uncertain significance for Amyotrophic lateral sclerosis type 21. Last evaluated: 2022-07-24. Review status: criteria provided, single submitter. Criteria: Invitae Variant Classification Sherloc (09022015). Collection method: clinical testing. Allele origin: germline.
Comment: Algorithms developed to predict the effect of missense changes on protein structure and function (SIFT, PolyPhen-2, Align-GVGD) all suggest that this variant is likely to be tolerated. This variant has not been reported in the literature in individuals affected with MATR3-related conditions. This variant is not present in population databases (gnomAD no frequency). This sequence change replaces alanine, which is neutral and non-polar, with threonine, which is neutral and polar, at codon 729 of the MATR3 protein (p.Ala729Thr). In summary, the available evidence is currently insufficient to determine the role of this variant in disease. Therefore, it has been classified as a Variant of Uncertain Significance.

NM_018834.6(MATR3):c.2185G>A (p.Ala729Thr)

Gene: MATR3 (matrin 3; plus strand). Cytogenetic location: 5q31.2.
Variant type: single nucleotide variant.
Coding change: c.2185G>A on transcript NM_018834.6 (MANE Select); coding-DNA position 2185, G replaced by A.
Protein change: p.Ala729Thr; replaces alanine 729 with threonine.
Molecular consequence: missense variant.
Genome position (GRCh38, 1-based): chr5:139,325,476, G>A. VCF-style: chr5-139325476-G-A. GRCh37 (hg19) VCF-style: chr5-138661165-G-A.
Other names: c.2185G>A, p.Ala729Thr (NM_001194954.2, NM_001194955.2, NM_001400447.1 and 11 more transcripts); c.1321G>A, p.Ala441Thr (NM_001194956.2); c.1171G>A, p.Ala391Thr (NM_001282278.2, NM_001400462.1, NM_001400463.1 and 4 more transcripts); c.2329G>A, p.Ala777Thr (NM_001400441.1, NM_001400442.1, NM_001400443.1 and 2 more transcripts); c.1324G>A, p.Ala442Thr (NM_001400459.1); c.1315G>A, p.Ala439Thr (NM_001400460.1); c.1285G>A, p.Ala429Thr (NM_001400461.1); short protein forms A429T, A441T, A442T, A777T, A439T, A729T, A391T.
Identifiers: ClinVar variation 1986150 (VCV001986150.4), dbSNP rs2546883482, ClinGen allele CA361146095.